The following is an entry in ClinVar:

ClinVar aggregate classification (germline): Uncertain significance (1 of 4 stars; one submission).

Conditions:
Neurodevelopmental disorder with congenital cardiac defects and variable renal and ocular abnormalities. Identifiers: MedGen C6065950, MONDO:0980965, OMIM 621474.

Submission:

Juno Genomics, Hangzhou Juno Genomics, Inc
Classification: Uncertain significance for Neurodevelopmental disorder with congenital cardiac defects and variable renal and ocular abnormalities. Review status: criteria provided, single submitter. Criteria: ACMG Guidelines, 2015. Collection method: clinical testing. Allele origin: germline.
Comment: Absent from controls (or at extremely low frequency if recessive) in Genome Aggregation Database.;Missense variant in a gene that has a low rate of benign missense variation.

NM_032590.5(KDM2B):c.423G>A (p.Met141Ile)

Gene: KDM2B (lysine demethylase 2B; minus strand). Cytogenetic location: 12q24.31.
Variant type: single nucleotide variant.
Coding change: c.423G>A on transcript NM_032590.5 (MANE Select); coding-DNA position 423, G replaced by A.
Protein change: p.Met141Ile; replaces methionine 141 with isoleucine.
Molecular consequence: missense variant.
Genome position (GRCh38, 1-based): chr12:121,549,613, C>T on the plus strand (G>A on the coding strand, the complement: KDM2B is on the minus strand). VCF-style: chr12-121549613-C-T. GRCh37 (hg19) VCF-style: chr12-121987518-C-T.
Other names: c.330G>A, p.Met110Ile (NM_001005366.2, NM_001439020.1, NM_001439025.1 and 1 more transcripts); c.519G>A, p.Met173Ile (NM_001439014.1, NM_001439015.1); c.423G>A, p.Met141Ile (NM_001439016.1, NM_001439017.1, NM_001439018.1); c.312G>A, p.Met104Ile (NM_001439021.1, NM_001439028.1); c.360G>A, p.Met120Ile (NM_001439022.1, NM_001439023.1, NM_001439029.1); short protein forms M104I, M110I, M120I, M141I, M173I.
Identifiers: ClinVar variation 5019226 (VCV005019226.2).